The following is an entry in ClinVar:

NM_014363.6(SACS):c.6246del (p.Asn2082fs)

Gene: SACS (sacsin molecular chaperone; minus strand). Cytogenetic location: 13q12.12.
Variant type: Deletion.
Coding change: c.6246del on transcript NM_014363.6 (MANE Select); coding-DNA position 6246, one base deleted (T; older notation c.6246delT).
Protein change: p.Asn2082fs; shifts the reading frame from asparagine 2082.
Molecular consequence: frameshift variant.
Genome position (GRCh38, 1-based): chr13:23,337,630, A deleted on the plus strand (T on the coding strand, the reverse complement: SACS is on the minus strand). VCF-style (leftmost placement, unchanged base first): chr13-23337629-CA-C. GRCh37 (hg19) VCF-style: chr13-23911768-CA-C.
Other names: c.5805del, p.Asn1935fs (NM_001278055.2); short protein forms N2082fs, N1935fs.
Identifiers: ClinVar variation 3642762 (VCV003642762.3).

ClinVar aggregate classification (germline): Pathogenic. Review status: criteria provided, multiple submitters, no conflicts (2 of 4 stars). 2 submissions from 2 submitters: Pathogenic (2). Last evaluated 2025-09-10.

Conditions:
Spastic paraplegia. Identifiers: MedGen C0037772, HP:0001258.
Charlevoix-Saguenay spastic ataxia (SACS). Also called: SPASTIC ATAXIA 6, AUTOSOMAL RECESSIVE; Spastic ataxia of Charlevoix-Saguenay; AUTOSOMAL RECESSIVE SPASTIC ATAXIA OF CHARLEVOIX-SAGUENAY. Identifiers: Orphanet 98, MedGen C1849140, MONDO:0010041, OMIM 270550.

Submissions (2):

Myriad Genetics, Inc.
Classification: Pathogenic for Charlevoix-Saguenay spastic ataxia. Last evaluated: 2025-09-10. Review status: criteria provided, single submitter. Criteria: Myriad Autosomal Dominant, Autosomal Recessive and X-Linked Classification Criteria (2023). Collection method: clinical testing. Allele origin: unknown.
Comment: NM_014363.4(SACS):c.6246delT(N2082Kfs*32) is a frameshift variant classified as pathogenic in the context of autosomal recessive spastic ataxia of Charlevoix-Saguenay. N2082Kfs*32 has not been observed in cases with relevant disease. Relevant functional assessments of this variant are not available in the literature. N2082Kfs*32 has not been observed in referenced population frequency databases. In summary, NM_014363.4(SACS):c.6246delT(N2082Kfs*32) is a frameshift variant in a gene where loss of function is a known mechanism of disease and is predicted to disrupt protein function. Please note: this variant was assessed in the context of healthy population screening.

Labcorp Genetics (formerly Invitae), Labcorp
Classification: Pathogenic for Spastic paraplegia. Last evaluated: 2024-02-23. Review status: criteria provided, single submitter. Criteria: Invitae Variant Classification Sherloc (09022015). Collection method: clinical testing. Allele origin: germline.
Comment: This sequence change creates a premature translational stop signal (p.Asn2082Lysfs*32) in the SACS gene. While this is not anticipated to result in nonsense mediated decay, it is expected to disrupt the last 2498 amino acid(s) of the SACS protein. This variant is not present in population databases (gnomAD no frequency). This variant has not been reported in the literature in individuals affected with SACS-related conditions. This variant disrupts a region of the SACS protein in which other variant(s) (p.Asn4549Asp) have been determined to be pathogenic (PMID: 15156359, 21507954). This suggests that this is a clinically significant region of the protein, and that variants that disrupt it are likely to be disease-causing. For these reasons, this variant has been classified as Pathogenic.

Literature cited by the submitters: PubMed 15156359 (cited by Labcorp Genetics (formerly Invitae), Labcorp); PubMed 21507954 (cited by Labcorp Genetics (formerly Invitae), Labcorp).